The following is an entry in ClinVar:

NM_001042492.3(NF1):c.1342C>T (p.His448Tyr)

Gene: NF1 (neurofibromin 1; plus strand). Cytogenetic location: 17q11.2.
Variant type: single nucleotide variant.
Coding change: c.1342C>T on transcript NM_001042492.3 (MANE Select); coding-DNA position 1342, C replaced by T.
Protein change: p.His448Tyr; replaces histidine 448 with tyrosine.
Molecular consequence: missense variant.
Genome position (GRCh38, 1-based): chr17:31,206,321, C>T. VCF-style: chr17-31206321-C-T. GRCh37 (hg19) VCF-style: chr17-29533339-C-T.
Other names: c.1342C>T, p.His448Tyr (NM_000267.4, NM_001128147.3); short protein forms H448Y.
Identifiers: ClinVar variation 429207 (VCV000429207.6), dbSNP rs1131691257, ClinGen allele CA398999572.

ClinVar aggregate classification (germline): Uncertain significance. Review status: criteria provided, single submitter (1 of 4 stars). 2 submissions from 2 submitters: Uncertain significance (1). 1 of the submissions does not count toward it. Last evaluated 2017-02-15.

Conditions:
Hereditary cancer-predisposing syndrome. Also called: Hereditary Cancer Syndrome; Neoplastic Syndromes, Hereditary; Hereditary neoplastic syndrome; Tumor predisposition. Identifiers: Orphanet 140162, MedGen C0027672, MeSH D009386, MONDO:0015356.
Cardiovascular phenotype. Identifiers: MedGen CN230736.

Submissions (2):

Ambry Genetics
Classification: Uncertain significance for Cardiovascular phenotype; Hereditary cancer-predisposing syndrome. Last evaluated: 2017-02-15. Review status: criteria provided, single submitter. Criteria: Ambry Variant Classification Scheme 2023. Collection method: clinical testing. Allele origin: germline.
Comment: The p.H448Y variant (also known as c.1342C>T), located in coding exon 12 of the NF1 gene, results from a C to T substitution at nucleotide position 1342. The histidine at codon 448 is replaced by tyrosine, an amino acid with similar properties. This amino acid position is well conserved in available vertebrate species. In addition, the in silico prediction for this alteration is inconclusive. Since supporting evidence is limited at this time, the clinical significance of this alteration remains unclear.

GeneDx
No classification provided. Review status: no classification provided. Criteria: GeneDx Variant Classification (06012015). Collection method: clinical testing. Allele origin: germline. Affected: yes. Not counted in ClinVar's aggregate classification.
Comment: The c.1340_1342delTTCinsCTT variant has not been published as a pathogenic variant, nor has it been reported as a benign variant to our knowledge. The variant is not observed in large population cohorts (Lek et al., 2016; 1000 Genomes Consortium et al., 2015; Exome Variant Server). The Leucine at residue 447 is conserved across species, and the Histidine at residue 448 is conserved in mammals. The variant Proline at residue 447 is a semi-conservative amino acid substitution, and the variant Tyrosine at residue 448 is a non-conservative substitution. In silico analysis is inconsistent in its predictions as to whether or not the variant is damaging to the protein structure/function. In summary, based on the currently available information, it is unclear whether this variant is a pathogenic variant or a rare benign variant.